The following is an entry in ClinVar:

ClinVar aggregate classification (germline): Uncertain significance (1 of 4 stars; one submission).

Conditions:
Brain small vessel disease 2A, autosomal dominant. Also called: Porencephaly 2. Identifiers: Orphanet 2940, Orphanet 99810, MedGen C3280970, MONDO:0013773, OMIM 614483.

gnomAD v4.1: 2 of 1,586,080 alleles (0.00013%); highest among the groups gnomAD compares: African/African-American, 0.0014%; no homozygotes.

Submission:

Institute of Human Genetics, University of Leipzig Medical Center
Classification: Uncertain significance for Brain small vessel disease 2A, autosomal dominant. Last evaluated: 2025-08-25. Review status: criteria provided, single submitter. Criteria: ACMG Guidelines, 2015. Collection method: clinical testing. Allele origin: maternal. Inheritance: Autosomal dominant inheritance. Affected: yes.
Comment: Criteria applied: PM2_SUP,PP2,PP3

NM_001846.4(COL4A2):c.398G>C (p.Gly133Ala)

Gene: COL4A2 (collagen type IV alpha 2 chain; plus strand). Cytogenetic location: 13q34.
Variant type: single nucleotide variant.
Coding change: c.398G>C on transcript NM_001846.4 (MANE Select); coding-DNA position 398, G replaced by C.
Protein change: p.Gly133Ala; replaces glycine 133 with alanine.
Molecular consequence: missense variant.
Genome position (GRCh38, 1-based): chr13:110,428,504, G>C. VCF-style: chr13-110428504-G-C. GRCh37 (hg19) VCF-style: chr13-111080851-G-C.
Other names: short protein forms G133A.
Identifiers: ClinVar variation 4279002 (VCV004279002.1).
Genomic context (GRCh38, chr13:110,428,504, plus strand): 5'-TCTCTCACTGCTCTCTTTCCCAGGGACACCCGGGGCAAGGTGGGCCCAGGGGAAGGCCGG[G>C]CTACGATGGCTGCAACGGAACCCAGGGAGACTCAGGTCCACAGGGGCCCCCCGGCTCTGA-3'
Protein context (NP_001837.2, residues 123-143): PGQGGPRGRP[Gly133Ala]YDGCNGTQGD